The following is an entry in ClinVar:

NM_005199.5(CHRNG):c.1380+1G>A

Genes: CHRNG (cholinergic receptor nicotinic gamma subunit; plus strand), TIGD1 (tigger transposable element derived 1; minus strand). Cytogenetic location: 2q37.1.
Variant type: single nucleotide variant.
Coding change: c.1380+1G>A on transcript NM_005199.5 (MANE Select); the canonical splice donor site of the intron after coding-DNA position 1380, G replaced by A.
Molecular consequence: splice donor variant. On other transcripts: 3 prime UTR variant (1).
Genome position (GRCh38, 1-based): chr2:232,544,903, G>A. VCF-style: chr2-232544903-G-A. GRCh37 (hg19) VCF-style: chr2-233409613-G-A.
Other names: c.*3204C>T (NM_145702.4).
Identifiers: ClinVar variation 3586184 (VCV003586184.3).

ClinVar aggregate classification (germline): Pathogenic/Likely pathogenic. Review status: criteria provided, multiple submitters, no conflicts (2 of 4 stars). 3 submissions from 3 submitters: Pathogenic (1); Likely pathogenic (2). Last evaluated 2025-09-22.

Conditions:
Autosomal recessive multiple pterygium syndrome. Also called: MULTIPLE PTERYGIUM SYNDROME, ESCOBAR VARIANT; PTERYGIUM COLLI SYNDROME; PTERYGIUM SYNDROME; PTERYGIUM UNIVERSALE. Identifiers: Orphanet 2990, MedGen C0265261, MONDO:0009926, OMIM 265000.
Lethal multiple pterygium syndrome (LMPS). Identifiers: Orphanet 33108, MedGen C1854678, MONDO:0009668, OMIM 253290.

gnomAD v4.1: 1 of 1,613,992 alleles (0.000062%); highest among the groups gnomAD compares: Admixed American, 0.0017%; no homozygotes.

Submissions (3):

Variantyx, Inc.
Classification: Pathogenic for Lethal multiple pterygium syndrome. Last evaluated: 2025-09-22. Review status: criteria provided, single submitter. Criteria: Variantyx Assertion Criteria 2022. Collection method: clinical testing. Allele origin: germline. Inheritance: Autosomal recessive inheritance. Affected: yes.
Comment: This is a canonical splicing variant in the CHRNG gene (OMIM: 100730). Pathogenic variants in this gene have been associated with autosomal recessive CHRNG-related multiple pterygium syndrome. This splicing variant is expected to result in loss of function, which is a known disease mechanism for CHRNG in this disorder (PMID:11435464, 25264167) (PVS1). It has a 0.0022% maximum allele frequency in non-founder control populations (PM2). Based on the current evidence, this variant is classified as pathogenic for autosomal recessive CHRNG-related multiple pterygium syndrome.

Fulgent Genetics
Classification: Likely pathogenic for Lethal multiple pterygium syndrome; Autosomal recessive multiple pterygium syndrome. Last evaluated: 2024-05-16. Review status: criteria provided, single submitter. Criteria: ACMG Guidelines, 2015. Collection method: clinical testing. Allele origin: germline.

Clinical Biomedical Laboratory, Shriners Hospital For Children - Canada
Classification: Likely pathogenic for Autosomal recessive multiple pterygium syndrome. Review status: criteria provided, single submitter. Criteria: ACMG Guidelines, 2015. Collection method: clinical testing. Allele origin: germline. Affected: yes.
Comment: This variant is predicted to affect a canonical splice site in CHRNG. This variant is expected to disrupt RNA splicing and lead to loss of function of the affected allele. Loss-of-function variants in CHRNG are associated with Escobar syndrome, which corresponds to the phenotype of the proband. This variant is present at very low frequency in the Genome Aggregation Database (v2.1.1. Based on the ACMG variant interpretation guidelines (criteria: PVS1, PM2, PM3, PP4), the available evidence supports classification of this variant as likely pathogenic.

Literature cited by the submitters: PubMed 1435464 (cited by Variantyx, Inc.); PubMed 25264167 (cited by Variantyx, Inc.).